The following is an entry in ClinVar:

ClinVar aggregate classification (germline): Pathogenic (1 of 4 stars; one submission).

Conditions:
Cardiovascular phenotype. Identifiers: MedGen CN230736.
Hereditary cancer-predisposing syndrome. Also called: Tumor predisposition; Hereditary neoplastic syndrome; Neoplastic Syndromes, Hereditary; Hereditary Cancer Syndrome. Identifiers: Orphanet 140162, MedGen C0027672, MeSH D009386, MONDO:0015356.

Submission:

Ambry Genetics
Classification: Pathogenic for Cardiovascular phenotype; Hereditary cancer-predisposing syndrome. Last evaluated: 2025-03-20. Review status: criteria provided, single submitter. Criteria: Ambry Variant Classification Scheme 2023. Collection method: clinical testing. Allele origin: germline.
Comment: The c.2770dupG pathogenic mutation, located in coding exon 21 of the NF1 gene, results from a duplication of G at nucleotide position 2770, causing a translational frameshift with a predicted alternate stop codon (p.E924Gfs*12). This variant is considered to be rare based on population cohorts in the Genome Aggregation Database (gnomAD). This alteration is expected to result in loss of function by premature protein truncation or nonsense-mediated mRNA decay. As such, this alteration is interpreted as a disease-causing mutation.

NM_001042492.3(NF1):c.2770dup (p.Glu924fs)

Gene: NF1 (neurofibromin 1; plus strand). Cytogenetic location: 17q11.2.
Variant type: Duplication.
Coding change: c.2770dup on transcript NM_001042492.3 (MANE Select); coding-DNA position 2770, one base duplicated (G; older notation c.2770dupG).
Protein change: p.Glu924fs; shifts the reading frame from glutamic acid 924.
Molecular consequence: frameshift variant.
Genome position (GRCh38, 1-based): chr17:31,229,385, G duplicated. VCF-style (leftmost placement, unchanged base first): chr17-31229384-A-AG. GRCh37 (hg19) VCF-style: chr17-29556402-A-AG.
Other names: c.2770dupG (NM_000267.3); c.2770dup, p.Glu924Glyfs (NM_000267.4); short protein forms E924fs.
Identifiers: ClinVar variation 4012643 (VCV004012643.1).
Genomic context (GRCh38, chr17:31,229,384, plus strand): 5'-GTGTAACCATGAGAAAGTGGGACTTCAAATACGGACCAATGTTAAGGATCTGGTGGGTCT[A>AG]GAATTGAGTCCTGCTCTGTATCCAATGCTATTTAACAAATTGAAGAATACCATCAGCAAG-3'